The following is an entry in ClinVar:

ClinVar aggregate classification (germline): Benign. Review status: criteria provided, multiple submitters, no conflicts (2 of 4 stars). 25 submissions from 20 submitters: Benign (21). 4 of the submissions do not count toward it. Last evaluated 2026-05-14.

Conditions:
Hereditary cancer-predisposing syndrome. Also called: Tumor predisposition; Neoplastic Syndromes, Hereditary; Hereditary neoplastic syndrome; Hereditary Cancer Syndrome. Identifiers: Orphanet 140162, MedGen C0027672, MeSH D009386, MONDO:0015356.
Cardiovascular phenotype. Identifiers: MedGen CN230736.
Café-au-lait macules with pulmonary stenosis (WTSN). Also called: PULMONIC STENOSIS WITH CAFE-AU-LAIT SPOTS. Identifiers: MedGen C0553586, MONDO:0008672, OMIM 193520.
Neurofibromatosis, familial spinal (FSNF). Identifiers: Orphanet 636, MedGen C1834235, MONDO:0008078, OMIM 162210. Disease mechanism: loss of function.
Neurofibromatosis-Noonan syndrome (NFNS). Also called: NEUROFIBROMATOSIS WITH NOONAN PHENOTYPE. Identifiers: Orphanet 638, MedGen C2931482, MONDO:0011035, OMIM 601321. Disease mechanism: loss of function.
Neurofibromatosis, type 1 (NF1). Also called: NEUROFIBROMATOSIS, TYPE I, SOMATIC; Peripheral type neurofibromatosis; VON RECKLINGHAUSEN DISEASE; Neurofibromatosis, type I. Identifiers: Orphanet 636, MedGen C0027831, MONDO:0018975, OMIM 162200. Disease mechanism: loss of function.

Allele frequency attached by ClinVar (database versions not stated): 1000 Genomes Project 30x 0.50375; 1000 Genomes Project 0.51178; TOPMed 0.55397; gnomAD 0.56607 and 0.57005; ESP Exome Variant Server 0.57440; ExAC 0.62280; gnomAD exomes 0.62719 and 0.67537.
gnomAD v4.1: 1,067,803 of 1,604,776 alleles (67%); highest among the groups gnomAD compares: Middle Eastern, 77%; 363,710 homozygotes.

Submissions (25):

Myriad Genetics, Inc.
Classification: Benign for Neurofibromatosis, type 1. Last evaluated: 2026-05-14. Review status: criteria provided, single submitter. Criteria: Myriad Autosomal Dominant, Autosomal Recessive and X-Linked Classification Criteria (2023). Collection method: clinical testing. Allele origin: unknown.
Comment: This variant is considered benign. This variant is a silent/synonymous amino acid change and it is not expected to impact splicing.

Labcorp Genetics (formerly Invitae), Labcorp
Classification: Benign for Neurofibromatosis, type 1. Last evaluated: 2026-02-04. Review status: criteria provided, single submitter. Criteria: Invitae Variant Classification Sherloc (09022015). Collection method: clinical testing. Allele origin: germline.

ARUP Laboratories, Molecular Genetics and Genomics, ARUP Laboratories
Classification: Benign. Last evaluated: 2025-07-31. Review status: criteria provided, single submitter. Criteria: ARUP Molecular Germline Variant Investigation Process 2024. Collection method: clinical testing. Allele origin: germline.

GeneKor MSA
Classification: Benign for Hereditary cancer-predisposing syndrome. Last evaluated: 2025-07-10. Review status: criteria provided, single submitter. Criteria: ACMG Guidelines, 2015. Collection method: clinical testing. Allele origin: germline.

KCCC/NGS Laboratory, Kuwait Cancer Control Center
Classification: Benign for Neurofibromatosis, type 1. Last evaluated: 2025-02-01. Review status: criteria provided, single submitter. Criteria: ACMG Guidelines, 2015. Collection method: clinical testing. Allele origin: germline. Affected: no.

Blueprint Genetics
Classification: Benign. Last evaluated: 2024-11-28. Review status: criteria provided, single submitter. Criteria: ACMG Guidelines, 2015. Collection method: clinical testing. Allele origin: germline.

KCCC/NGS Laboratory, Kuwait Cancer Control Center
Classification: Benign for Neurofibromatosis, familial spinal. Last evaluated: 2023-07-07. Review status: criteria provided, single submitter. Criteria: ACMG Guidelines, 2015. Collection method: clinical testing. Allele origin: germline. Affected: yes.

Genome-Nilou Lab
Classification: Benign for Neurofibromatosis, type 1. Last evaluated: 2021-09-05. Review status: criteria provided, single submitter. Criteria: ACMG Guidelines, 2015. Collection method: clinical testing. Allele origin: germline. Affected: no.

Mayo Clinic Laboratories, Mayo Clinic
Classification: Benign. Last evaluated: 2021-06-21. Review status: criteria provided, single submitter. Criteria: ACMG Guidelines, 2015. Collection method: clinical testing. Allele origin: germline. Observed: 1,354 variant alleles.

Sema4
Classification: Benign for Hereditary cancer-predisposing syndrome. Last evaluated: 2019-12-09. Review status: criteria provided, single submitter. Criteria: Sema4 Curation Guidelines. Collection method: curation. Allele origin: germline.

Illumina Laboratory Services, Illumina
Classification: Benign for Neurofibromatosis, type 1. Last evaluated: 2018-01-13. Review status: criteria provided, single submitter. Criteria: ICSL Variant Classification Criteria 13 December 2019. Collection method: clinical testing. Allele origin: germline.
Comment: This variant was observed in the ICSL laboratory as part of a predisposition screen in an ostensibly healthy population. It had not been previously curated by ICSL or reported in the Human Gene Mutation Database (HGMD: prior to June 1st, 2018), and was therefore a candidate for classification through an automated scoring system. Utilizing variant allele frequency, disease prevalence and penetrance estimates, and inheritance mode, an automated score was calculated to assess if this variant is too frequent to cause the disease. Based on the score and internal cut-off values, a variant classified as benign is not then subjected to further curation. The score for this variant resulted in a classification of benign for this disease.

Illumina Laboratory Services, Illumina
Classification: Benign for Café-au-lait macules with pulmonary stenosis. Last evaluated: 2018-01-13. Review status: criteria provided, single submitter. Criteria: ICSL Variant Classification Criteria 13 December 2019. Collection method: clinical testing. Allele origin: germline.
Comment: the same text as in the submission from Illumina Laboratory Services, Illumina above.

Illumina Laboratory Services, Illumina
Classification: Benign for Neurofibromatosis, familial spinal. Last evaluated: 2018-01-13. Review status: criteria provided, single submitter. Criteria: ICSL Variant Classification Criteria 13 December 2019. Collection method: clinical testing. Allele origin: germline.
Comment: the same text as in the submission from Illumina Laboratory Services, Illumina above.

Illumina Laboratory Services, Illumina
Classification: Benign for Neurofibromatosis-Noonan syndrome. Last evaluated: 2018-01-13. Review status: criteria provided, single submitter. Criteria: ICSL Variant Classification Criteria 13 December 2019. Collection method: clinical testing. Allele origin: germline.
Comment: the same text as in the submission from Illumina Laboratory Services, Illumina above.

Women's Health and Genetics/Laboratory Corporation of America, LabCorp
Classification: Benign. Last evaluated: 2016-05-11. Review status: criteria provided, single submitter. Criteria: LabCorp Variant Classification Summary - May 2015. Collection method: clinical testing. Allele origin: germline.
Comment: Variant summary: The NF1 c.702G>A (p.Leu234Leu) variant involves the alteration of a non-conserved nucleotide, resulting in a synonymous change. One in silico tool predicts a polymorphism outcome for this variant and 5/5 splice prediction tools predict no significant impact on normal splicing. This variant was found in 75516/121252 control chromosomes (24613 homozygotes) at a frequency of 0.6228021, signifying it is the common allele in the population and is thus a benign polymorphism. In addition, one clinical diagnostic laboratories has classified this variant as benign. Taken together, this variant is classified as benign.

GeneDx
Classification: Benign. Last evaluated: 2015-12-18. Review status: criteria provided, single submitter. Criteria: GeneDx Variant Classification (06012015). Collection method: clinical testing. Allele origin: germline. Affected: yes.
Comment: This variant is considered likely benign or benign based on one or more of the following criteria: it is a conservative change, it occurs at a poorly conserved position in the protein, it is predicted to be benign by multiple in silico algorithms, and/or has population frequency not consistent with disease.

Ambry Genetics
Classification: Benign for Cardiovascular phenotype; Hereditary cancer-predisposing syndrome. Last evaluated: 2014-12-11. Review status: criteria provided, single submitter. Criteria: Ambry Variant Classification Scheme 2023. Collection method: clinical testing. Allele origin: germline.

Laboratory for Molecular Medicine, Mass General Brigham Personalized Medicine
Classification: Benign. Last evaluated: 2014-12-02. Review status: criteria provided, single submitter. Criteria: LMM Criteria. Collection method: clinical testing. Allele origin: germline. Observed: 505 variant alleles.
Comment: This is a RefSeq error. The reference base (c.702G) is the minor allele. The c.7 02A allele has been identified in 70% (46585/66678) of European chromosomes by t he Exome Aggregation Consortium (ExAC,, dbSNP rs1 801052) and thus meets criteria to be classified as benign.

Ambry Genetics
Classification: Benign for Hereditary cancer-predisposing syndrome. Last evaluated: 2014-10-17. Review status: criteria provided, single submitter. Criteria: Ambry Autosomal Dominant and X-Linked criteria (10/2015). Collection method: clinical testing. Allele origin: germline. Observed: 1 variant allele.

Breakthrough Genomics
Classification: Benign. Review status: criteria provided, single submitter. Criteria: ACMG Guidelines, 2015. Collection method: not provided. Allele origin: germline. Inheritance: Autosomal dominant inheritance. Affected: yes.

PreventionGenetics, part of Exact Sciences
Classification: Benign. Review status: criteria provided, single submitter. Criteria: ACMG Guidelines, 2015. Collection method: clinical testing. Allele origin: germline.

Clinical Genetics DNA and cytogenetics Diagnostics Lab, Erasmus MC, Erasmus Medical Center
Classification: Benign. Review status: no assertion criteria provided. Collection method: clinical testing. Allele origin: germline. Affected: yes. Study: VKGL Data-share Consensus. Not counted in ClinVar's aggregate classification.

Diagnostic Laboratory, Department of Genetics, University Medical Center Groningen
Classification: Benign. Review status: no assertion criteria provided. Collection method: clinical testing. Allele origin: germline. Affected: yes. Study: VKGL Data-share Consensus. Not counted in ClinVar's aggregate classification.

Genome Diagnostics Laboratory, University Medical Center Utrecht
Classification: Benign. Review status: no assertion criteria provided. Collection method: clinical testing. Allele origin: germline. Affected: yes. Study: VKGL Data-share Consensus. Not counted in ClinVar's aggregate classification.

Joint Genome Diagnostic Labs from Nijmegen and Maastricht, Radboudumc and MUMC+
Classification: Benign. Review status: no assertion criteria provided. Collection method: clinical testing. Allele origin: germline. Affected: yes. Study: VKGL Data-share Consensus. Not counted in ClinVar's aggregate classification.

NM_001042492.3(NF1):c.702G>A (p.Leu234=)

Gene: NF1 (neurofibromin 1; plus strand). Cytogenetic location: 17q11.2.
Variant type: single nucleotide variant.
Coding change: c.702G>A on transcript NM_001042492.3 (MANE Select); coding-DNA position 702, G replaced by A.
Protein change: p.Leu234=; no amino-acid change (leucine 234 retained).
Molecular consequence: synonymous variant.
Genome position (GRCh38, 1-based): chr17:31,181,757, G>A. VCF-style: chr17-31181757-G-A. GRCh37 (hg19) VCF-style: chr17-29508775-G-A.
Other names: p.Leu234=; c.702G>A, p.Leu234= (NM_000267.4, NM_001128147.3).
Identifiers: ClinVar variation 183825 (VCV000183825.52), dbSNP rs1801052, ClinGen allele CA186628.
Genomic context (GRCh38, chr17:31,181,757, plus strand): 5'-TCTTTATTTATAGGCATTTTGGAACTGGGTAGAAAATTATCCAGATGAATTTACAAAACT[G>A]TACCAGATCCCACAGACTGATATGGCTGGTAAGGATACGATTGATTTTTTTTTTTTTTTT-3'
Protein context (NP_001035957.1, residues 224-244): VENYPDEFTK[Leu234=]YQIPQTDMAE